The following is an entry in ClinVar:

ClinVar aggregate classification (germline): Uncertain significance (1 of 4 stars; one submission).

Submission:

Ambry Genetics
Classification: Uncertain significance. Last evaluated: 2022-02-23. Review status: criteria provided, single submitter. Criteria: Ambry Variant Classification Scheme 2023. Collection method: clinical testing. Allele origin: germline.
Comment: The p.G434A variant (also known as c.1301G>C), located in coding exon 3 of the ALPK2 gene, results from a G to C substitution at nucleotide position 1301. The glycine at codon 434 is replaced by alanine, an amino acid with similar properties. This amino acid position is conserved. In addition, this alteration is predicted to be tolerated by in silico analysis. Since supporting evidence is limited at this time, the clinical significance of this alteration remains unclear.

NM_052947.4(ALPK2):c.1301G>C (p.Gly434Ala)

Gene: ALPK2 (alpha kinase 2; minus strand). Cytogenetic location: 18q21.31.
Variant type: single nucleotide variant.
Coding change: c.1301G>C on transcript NM_052947.4 (MANE Select); coding-DNA position 1301, G replaced by C.
Protein change: p.Gly434Ala; replaces glycine 434 with alanine.
Molecular consequence: missense variant.
Genome position (GRCh38, 1-based): chr18:58,579,475, C>G on the plus strand (G>C on the coding strand, the complement: ALPK2 is on the minus strand). VCF-style: chr18-58579475-C-G. GRCh37 (hg19) VCF-style: chr18-56246707-C-G.
Other names: short protein forms G434A.
Identifiers: ClinVar variation 1769423 (VCV001769423.2), dbSNP rs2518899187, ClinGen allele CA402563604.